The following is an entry in ClinVar:

ClinVar aggregate classification (germline): Pathogenic (1 of 4 stars; one submission).

Submission:

GeneDx
Classification: Pathogenic. Last evaluated: 2021-11-29. Review status: criteria provided, single submitter. Criteria: GeneDx Variant Classification Process June 2021. Collection method: clinical testing. Allele origin: germline. Affected: yes.
Comment: Frameshift variant predicted to result in protein truncation or nonsense-mediated decay in a gene for which loss-of-function is a known mechanism of disease; Not observed at significant frequency in large population cohorts (gnomAD); Has not been previously published as pathogenic or benign to our knowledge

NM_000548.5(TSC2):c.1206del (p.Ser403fs)

Gene: TSC2 (TSC complex subunit 2; plus strand). Cytogenetic location: 16p13.3.
Variant type: Deletion.
Coding change: c.1206del on transcript NM_000548.5 (MANE Select); coding-DNA position 1206, one base deleted (G; older notation c.1206delG).
Protein change: p.Ser403fs; shifts the reading frame from serine 403.
Molecular consequence: frameshift variant.
Genome position (GRCh38, 1-based): chr16:2,061,957, G deleted; the last of 3 consecutive G bases (chr16:2,061,955-2,061,957); deleting any one gives the same sequence. VCF-style (leftmost placement, unchanged base first): chr16-2061954-CG-C. GRCh37 (hg19) VCF-style: chr16-2111955-CG-C.
Other names: c.1206del, p.Ser403fs (NM_001077183.3, NM_001114382.3, NM_001363528.2 and 3 more transcripts); c.1095del, p.Ser366fs (NM_001318827.2); c.1059del, p.Ser354fs (NM_001318829.2); c.606del, p.Ser203fs (NM_001318831.2); c.1239del, p.Ser414fs (NM_001318832.2); short protein forms S203fs, S354fs, S366fs, S403fs, S414fs.
Identifiers: ClinVar variation 1684140 (VCV001684140.2), dbSNP rs2151155973, ClinGen allele CA2573151573.